The following is an entry in ClinVar:

ClinVar aggregate classification (germline): Uncertain significance (1 of 4 stars; one submission).

Submission:

GeneDx
Classification: Uncertain significance. Last evaluated: 2019-09-30. Review status: criteria provided, single submitter. Criteria: GeneDx Variant Classification Process June 2021. Collection method: clinical testing. Allele origin: germline. Affected: yes.
Comment: Initiation codon variant in a gene for which loss-of-function is a known mechanism of disease, however a downstream Methionine exists; Not observed at a significant frequency in large population cohorts (Lek et al., 2016); Has not been previously published as pathogenic or benign to our knowledge

NM_005236.3(ERCC4):c.2T>C (p.Met1Thr)

Genes: ERCC4 (ERCC excision repair 4, endonuclease catalytic subunit; plus strand), LOC130058543 (ATAC-STARR-seq lymphoblastoid active region 10486; plus strand). Cytogenetic location: 16p13.12.
Variant type: single nucleotide variant.
Coding change: c.2T>C on transcript NM_005236.3 (MANE Select); coding-DNA position 2, T replaced by C.
Protein change: p.Met1Thr; changes the start codon (methionine 1).
Molecular consequence: missense variant, initiator codon variant.
Genome position (GRCh38, 1-based): chr16:13,920,167, T>C. VCF-style: chr16-13920167-T-C. GRCh37 (hg19) VCF-style: chr16-14014024-T-C.
Other names: short protein forms M1T.
Identifiers: ClinVar variation 1316477 (VCV001316477.3), dbSNP rs778859873, ClinGen allele CA394815723.